The following is an entry in ClinVar:

ClinVar aggregate classification (germline): Uncertain significance (1 of 4 stars; one submission).

Conditions:
Familial sleep-related hypermotor epilepsy. Also called: Autosomal Dominant Sleep-Related Hypermotor (Hyperkinetic) Epilepsy. Identifiers: Orphanet 98784, MedGen C3696898, MONDO:0000030.

Submission:

Labcorp Genetics (formerly Invitae), Labcorp
Classification: Uncertain significance. Last evaluated: 2024-01-08. Review status: criteria provided, single submitter. Criteria: Invitae Variant Classification Sherloc (09022015). Collection method: clinical testing. Allele origin: germline.
Comment: This sequence change replaces serine, which is neutral and polar, with cysteine, which is neutral and slightly polar, at codon 487 of the CHRNA2 protein (p.Ser487Cys). This variant is not present in population databases (gnomAD no frequency). This variant has not been reported in the literature in individuals affected with CHRNA2-related conditions. Advanced modeling of protein sequence and biophysical properties (such as structural, functional, and spatial information, amino acid conservation, physicochemical variation, residue mobility, and thermodynamic stability) performed at Invitae indicates that this missense variant is not expected to disrupt CHRNA2 protein function with a negative predictive value of 80%. In summary, the available evidence is currently insufficient to determine the role of this variant in disease. Therefore, it has been classified as a Variant of Uncertain Significance.

NM_000742.4(CHRNA2):c.1460C>G (p.Ser487Cys)

Gene: CHRNA2 (cholinergic receptor nicotinic alpha 2 subunit; minus strand). Cytogenetic location: 8p21.2.
Variant type: single nucleotide variant.
Coding change: c.1460C>G on transcript NM_000742.4 (MANE Select); coding-DNA position 1460, C replaced by G.
Protein change: p.Ser487Cys; replaces serine 487 with cysteine.
Molecular consequence: missense variant.
Genome position (GRCh38, 1-based): chr8:27,462,983, G>C on the plus strand (C>G on the coding strand, the complement: CHRNA2 is on the minus strand). VCF-style: chr8-27462983-G-C. GRCh37 (hg19) VCF-style: chr8-27320500-G-C.
Other names: c.1415C>G, p.Ser472Cys (NM_001282455.2); c.983C>G, p.Ser328Cys (NM_001347705.2, NM_001347706.2); c.866C>G, p.Ser289Cys (NM_001347707.2, NM_001347708.2); short protein forms S289C, S328C, S472C, S487C.
Identifiers: ClinVar variation 2867103 (VCV002867103.3), dbSNP rs994299183, ClinGen allele CA370807671.